The following is an entry in ClinVar:

ClinVar aggregate classification (germline): Uncertain significance (1 of 4 stars; one submission).

Conditions:
Inborn genetic diseases. Identifiers: MedGen C0950123, MeSH D030342.

gnomAD v4.1: 1 of 1,563,796 alleles (0.000064%); highest among the groups gnomAD compares: African/African-American, 0.0014%; no homozygotes.

Submission:

Ambry Genetics
Classification: Uncertain significance for Inborn genetic diseases. Last evaluated: 2022-02-26. Review status: criteria provided, single submitter. Criteria: Ambry Variant Classification Scheme 2023. Collection method: clinical testing. Allele origin: germline.
Comment: The p.A439D variant (also known as c.1316C>A), located in coding exon 10 of the EPAS1 gene, results from a C to A substitution at nucleotide position 1316. The alanine at codon 439 is replaced by aspartic acid, an amino acid with dissimilar properties. This amino acid position is conserved. In addition, this alteration is predicted to be tolerated by in silico analysis. Since supporting evidence is limited at this time, the clinical significance of this alteration remains unclear.

NM_001430.5(EPAS1):c.1316C>A (p.Ala439Asp)

Gene: EPAS1 (endothelial PAS domain protein 1; plus strand). Cytogenetic location: 2p21.
Variant type: single nucleotide variant.
Coding change: c.1316C>A on transcript NM_001430.5 (MANE Select); coding-DNA position 1316, C replaced by A.
Protein change: p.Ala439Asp; replaces alanine 439 with aspartic acid.
Molecular consequence: missense variant.
Genome position (GRCh38, 1-based): chr2:46,377,960, C>A. VCF-style: chr2-46377960-C-A. GRCh37 (hg19) VCF-style: chr2-46605099-C-A.
Other names: short protein forms A439D.
Identifiers: ClinVar variation 1769793 (VCV001769793.2), dbSNP rs749115941, ClinGen allele CA346703787.